The following is an entry in ClinVar:

ClinVar aggregate classification (germline): Uncertain significance. Review status: criteria provided, multiple submitters, no conflicts (2 of 4 stars). 2 submissions from 2 submitters: Uncertain significance (2). Last evaluated 2025-09-26.

Conditions:
Inborn genetic diseases. Identifiers: MedGen C0950123, MeSH D030342.

gnomAD v4.1: 18 of 1,612,364 alleles (0.0011%); highest among the groups gnomAD compares: Admixed American, 0.028%; no homozygotes.

Submissions (2):

Ambry Genetics
Classification: Uncertain significance for Inborn genetic diseases. Last evaluated: 2025-09-26. Review status: criteria provided, single submitter. Criteria: Ambry Variant Classification Scheme 2023. Collection method: clinical testing. Allele origin: germline.

Quest Diagnostics Nichols Institute San Juan Capistrano
Classification: Uncertain significance. Last evaluated: 2024-09-06. Review status: criteria provided, single submitter. Criteria: Quest Diagnostics criteria. Collection method: clinical testing. Allele origin: unknown.
Comment: The VWF c.5017G>A (p.Glu1673Lys) variant has not been reported in individuals with VWF-related conditions in the published literature. The frequency of this variant in the general population, 0.00041 (14/34470 chromosomes (Genome Aggregation Database)), is uninformative in the assessment of its pathogenicity. Analysis of this variant using bioinformatics tools for the prediction of the effect of amino acid changes on protein structure and function yielded predictions that this variant is benign. Based on the available information, we are unable to determine the clinical significance of this variant.

NM_000552.5(VWF):c.5017G>A (p.Glu1673Lys)

Gene: VWF (von Willebrand factor; minus strand). Cytogenetic location: 12p13.31.
Variant type: single nucleotide variant.
Coding change: c.5017G>A on transcript NM_000552.5 (MANE Select); coding-DNA position 5017, G replaced by A.
Protein change: p.Glu1673Lys; replaces glutamic acid 1673 with lysine.
Molecular consequence: missense variant.
Genome position (GRCh38, 1-based): chr12:6,018,401, C>T on the plus strand (G>A on the coding strand, the complement: VWF is on the minus strand). VCF-style: chr12-6018401-C-T. GRCh37 (hg19) VCF-style: chr12-6127567-C-T.
Other names: c.5017G>A (NM_000552.3); short protein forms E1673K.
Identifiers: ClinVar variation 3572172 (VCV003572172.2).